The following is an entry in ClinVar:

NM_022773.4(LMF1):c.233T>A (p.Leu78His)

Gene: LMF1 (lipase maturation factor 1; minus strand). Cytogenetic location: 16p13.3.
Variant type: single nucleotide variant.
Coding change: c.233T>A on transcript NM_022773.4 (MANE Select); coding-DNA position 233, T replaced by A.
Protein change: p.Leu78His; replaces leucine 78 with histidine.
Molecular consequence: missense variant. On other transcripts: 5 prime UTR variant (4), non-coding transcript variant (1).
Genome position (GRCh38, 1-based): chr16:954,627, A>T on the plus strand (T>A on the coding strand, the complement: LMF1 is on the minus strand). VCF-style: chr16-954627-A-T. GRCh37 (hg19) VCF-style: chr16-1004627-A-T.
Other names: c.-571T>A (NM_001352017.2); c.-322T>A (NM_001352018.2); c.-95T>A (NM_001352019.2); c.233T>A, p.Leu78His (NM_001352020.1); c.-473T>A (NM_001352021.2); short protein forms L78H.
Identifiers: ClinVar variation 3290928 (VCV003290928.1).

ClinVar aggregate classification (germline): Uncertain significance (1 of 4 stars; one submission).

Conditions:
Cardiovascular phenotype. Identifiers: MedGen CN230736.

Submission:

Ambry Genetics
Classification: Uncertain significance for Cardiovascular phenotype. Last evaluated: 2024-04-27. Review status: criteria provided, single submitter. Criteria: Ambry Variant Classification Scheme 2023. Collection method: clinical testing. Allele origin: germline.
Comment: The p.L78H variant (also known as c.233T>A), located in coding exon 2 of the LMF1 gene, results from a T to A substitution at nucleotide position 233. The leucine at codon 78 is replaced by histidine, an amino acid with similar properties. This amino acid position is conserved. In addition, this alteration is predicted to be deleterious by in silico analysis. Based on the available evidence, the clinical significance of this variant remains unclear.